The following is an entry in ClinVar:

ClinVar aggregate classification (germline): Uncertain significance (1 of 4 stars; one submission).

Submission:

Labcorp Genetics (formerly Invitae), Labcorp
Classification: Uncertain significance. Last evaluated: 2022-06-01. Review status: criteria provided, single submitter. Criteria: Invitae Variant Classification Sherloc (09022015). Collection method: clinical testing. Allele origin: germline.
Comment: This sequence change falls in intron 35 of the CACNA1F gene. It does not directly change the encoded amino acid sequence of the CACNA1F protein. It affects a nucleotide within the consensus splice site. This variant is not present in population databases (gnomAD no frequency). This variant has not been reported in the literature in individuals affected with CACNA1F-related conditions. ClinVar contains an entry for this variant (Variation ID: 964246). Variants that disrupt the consensus splice site are a relatively common cause of aberrant splicing (PMID: 17576681, 9536098). Algorithms developed to predict the effect of sequence changes on RNA splicing suggest that this variant may disrupt the consensus splice site. In summary, the available evidence is currently insufficient to determine the role of this variant in disease. Therefore, it has been classified as a Variant of Uncertain Significance.

Literature cited by the submitters: PubMed 17576681; PubMed 9536098.

NM_001256789.3(CACNA1F):c.4101-3C>A

Gene: CACNA1F (calcium voltage-gated channel subunit alpha1 F; minus strand). Cytogenetic location: Xp11.23.
Variant type: single nucleotide variant.
Coding change: c.4101-3C>A on transcript NM_001256789.3 (MANE Select); 3 bases into the intron before coding-DNA position 4101, C replaced by A.
Molecular consequence: intron variant.
Genome position (GRCh38, 1-based): chrX:49,211,484, G>T on the plus strand (C>A on the coding strand, the complement: CACNA1F is on the minus strand). VCF-style: chrX-49211484-G-T. GRCh37 (hg19) VCF-style: chrX-49067944-G-T.
Other names: c.4134-3C>A (NM_005183.4); c.3939-3C>A (NM_001256790.3).
Identifiers: ClinVar variation 964246 (VCV000964246.9), dbSNP rs2065657280, ClinGen allele CA1139667555.